The following is an entry in ClinVar:

NM_032444.4(SLX4):c.2861G>A (p.Gly954Asp)

Gene: SLX4 (SLX4 structure-specific endonuclease subunit; minus strand). Cytogenetic location: 16p13.3.
Variant type: single nucleotide variant.
Coding change: c.2861G>A on transcript NM_032444.4 (MANE Select); coding-DNA position 2861, G replaced by A.
Protein change: p.Gly954Asp; replaces glycine 954 with aspartic acid.
Molecular consequence: missense variant.
Genome position (GRCh38, 1-based): chr16:3,590,777, C>T on the plus strand (G>A on the coding strand, the complement: SLX4 is on the minus strand). VCF-style: chr16-3590777-C-T. GRCh37 (hg19) VCF-style: chr16-3640778-C-T.
Other names: short protein forms G954D.
Identifiers: ClinVar variation 4752677 (VCV004752677.1).

ClinVar aggregate classification (germline): Uncertain significance (1 of 4 stars; one submission).

Conditions:
Fanconi anemia (FA). Also called: Fanconi's anemia. Identifiers: Orphanet 84, MedGen C0015625, MeSH D005199, MONDO:0019391.

gnomAD v4.1: 2 of 1,613,906 alleles (0.00012%); highest among the groups gnomAD compares: African/African-American, 0.0013%; no homozygotes.

Submission:

Labcorp Genetics (formerly Invitae), Labcorp
Classification: Uncertain significance for Fanconi anemia. Last evaluated: 2025-10-21. Review status: criteria provided, single submitter. Criteria: Invitae Variant Classification Sherloc (09022015). Collection method: clinical testing. Allele origin: germline.
Comment: This sequence change replaces glycine, which is neutral and non-polar, with aspartic acid, which is acidic and polar, at codon 954 of the SLX4 protein (p.Gly954Asp). This variant is present in population databases (rs750559914, gnomAD 0.007%). This variant has not been reported in the literature in individuals affected with SLX4-related conditions. An algorithm developed to predict the effect of missense changes on protein structure and function outputs the following: PolyPhen-2: "Benign". The aspartic acid amino acid residue is found in multiple mammalian species, which suggests that this missense change does not adversely affect protein function. In summary, the available evidence is currently insufficient to determine the role of this variant in disease. Therefore, it has been classified as a Variant of Uncertain Significance.